The following is an entry in ClinVar:

NM_002049.4(GATA1):c.1005G>A (p.Met335Ile)

Gene: GATA1 (GATA binding protein 1; plus strand). Cytogenetic location: Xp11.23.
Variant type: single nucleotide variant.
Coding change: c.1005G>A on transcript NM_002049.4 (MANE Select); coding-DNA position 1005, G replaced by A.
Protein change: p.Met335Ile; replaces methionine 335 with isoleucine.
Molecular consequence: missense variant.
Genome position (GRCh38, 1-based): chrX:48,793,927, G>A. VCF-style: chrX-48793927-G-A. GRCh37 (hg19) VCF-style: chrX-48652334-G-A.
Other names: short protein forms M335I.
Identifiers: ClinVar variation 2416815 (VCV002416815.13), dbSNP rs1557020582, ClinGen allele CA412871744.

ClinVar aggregate classification (germline): Uncertain significance. Review status: criteria provided, multiple submitters, no conflicts (2 of 4 stars). 2 submissions from 2 submitters: Uncertain significance (2). Last evaluated 2024-03-05.

Conditions:
GATA binding protein 1 related thrombocytopenia with dyserythropoiesis. Also called: GATA1-Related Cytopenia; GATA1-Related X-Linked Cytopenia. Identifiers: MedGen C1845837, MONDO:0100089.
Diamond-Blackfan anemia. Also called: Blackfan Diamond syndrome; Aregenerative anemia chronic congenital; Red cell aplasia, pure hereditary; Congenital hypoplastic anemia; Aase syndrome. Identifiers: Orphanet 124, MedGen C1260899, MeSH D029503, MONDO:0015253, HP:0004810.

Allele frequency attached by ClinVar (database versions not stated): gnomAD exomes below 0.00001.
gnomAD v4.1: 1 of 1,205,530 alleles (0.000083%); highest among the groups gnomAD compares: Non-Finnish European, 0.00011%; no homozygotes.

Submissions (2):

Revvity Omics, Revvity
Classification: Uncertain significance. Last evaluated: 2024-03-05. Review status: criteria provided, single submitter. Criteria: ACMG Guidelines, 2015. Collection method: clinical testing. Allele origin: germline.

Labcorp Genetics (formerly Invitae), Labcorp
Classification: Uncertain significance for GATA binding protein 1 related thrombocytopenia with dyserythropoiesis; Diamond-Blackfan anemia. Last evaluated: 2022-02-02. Review status: criteria provided, single submitter. Criteria: Invitae Variant Classification Sherloc (09022015). Collection method: clinical testing. Allele origin: germline.
Comment: Algorithms developed to predict the effect of missense changes on protein structure and function (SIFT, PolyPhen-2, Align-GVGD) all suggest that this variant is likely to be tolerated. This variant has not been reported in the literature in individuals affected with GATA1-related conditions. This variant is not present in population databases (gnomAD no frequency). This sequence change replaces methionine, which is neutral and non-polar, with isoleucine, which is neutral and non-polar, at codon 335 of the GATA1 protein (p.Met335Ile). Algorithms developed to predict the effect of sequence changes on RNA splicing suggest that this variant may create or strengthen a splice site. In summary, the available evidence is currently insufficient to determine the role of this variant in disease. Therefore, it has been classified as a Variant of Uncertain Significance.